The following is an entry in ClinVar:

NM_006885.4(ZFHX3):c.10537_10542dup (p.Gly3514_Gly3515insSerGly)

Genes: ZFHX3 (zinc finger homeobox 3; minus strand), ZFHX3-AS1 (ZFHX3 antisense RNA 1; plus strand). Cytogenetic location: 16q22.2.
Variant type: Duplication.
Coding change: c.10537_10542dup on transcript NM_006885.4 (MANE Select); coding-DNA positions 10537 to 10542, 6 bases duplicated (AGTGGC; older notation c.10537_10542dupAGTGGC).
Protein change: p.Gly3514_Gly3515insSerGly.
Genome position (GRCh38, 1-based): chr16:72,787,734-72,787,739, GCCACT duplicated on the plus strand (AGTGGC on the coding strand, the reverse complement: ZFHX3 is on the minus strand); duplicating any 6 consecutive bases within chr16:72,787,734-72,787,744 gives the same sequence; the c. name uses the placement nearest the transcript's 3' end. VCF-style (leftmost placement, unchanged base first): chr16-72787733-C-CGCCACT. GRCh37 (hg19) VCF-style: chr16-72821632-C-CGCCACT.
Other names: c.7795_7800dup, p.Gly2600_Gly2601insSerGly (NM_001164766.2); c.10537_10542dup, p.Gly3514_Gly3515insSerGly (NM_001386735.1).
Identifiers: ClinVar variation 3043508 (VCV003043508.2), dbSNP rs750444062, ClinGen allele CA8162445.

ClinVar aggregate classification (germline): Benign (0 of 4 stars; one submission).

Conditions:
ZFHX3-related disorder. Also called: ZFHX3-related condition.

Submission:

PreventionGenetics, part of Exact Sciences
Classification: Benign for ZFHX3-related condition. Last evaluated: 2019-06-28. Review status: no assertion criteria provided. Collection method: clinical testing. Allele origin: germline.
Comment: This variant is classified as benign based on ACMG/AMP sequence variant interpretation guidelines (Richards et al. 2015 PMID: 25741868, with internal and published modifications).